The following is an entry in ClinVar:

NM_000059.4(BRCA2):c.5939C>T (p.Thr1980Ile)

Gene: BRCA2 (BRCA2 DNA repair associated; plus strand). Cytogenetic location: 13q13.1.
Variant type: single nucleotide variant.
Coding change: c.5939C>T on transcript NM_000059.4 (MANE Select); coding-DNA position 5939, C replaced by T.
Protein change: p.Thr1980Ile; replaces threonine 1980 with isoleucine.
Molecular consequence: missense variant.
Genome position (GRCh38, 1-based): chr13:32,340,294, C>T. VCF-style: chr13-32340294-C-T. GRCh37 (hg19) VCF-style: chr13-32914431-C-T.
Other names: short protein forms T1980I.
Identifiers: ClinVar variation 51966 (VCV000051966.21), dbSNP rs80358827, ClinGen allele CA023390.

ClinVar aggregate classification (germline): Conflicting classifications of pathogenicity. Review status: criteria provided, conflicting classifications (1 of 4 stars). 8 submissions from 8 submitters: Uncertain significance (6); Likely benign (1). 1 of the submissions does not count toward it. Last evaluated 2025-12-01.

Conditions:
Hereditary breast ovarian cancer syndrome. Also called: Hereditary breast and ovarian cancer syndrome; Hereditary breast and ovarian cancer; Hereditary breast and ovarian cancer syndrome (HBOC); Breast and ovarian cancer; Hereditary breast and/or ovarian cancer syndrome; BRCA1- and BRCA2-Associated Hereditary Breast and Ovarian Cancer. Identifiers: Orphanet 145, MedGen C0677776, MeSH D061325, MONDO:0003582. Disease mechanism: loss of function.
Hereditary cancer-predisposing syndrome. Also called: Neoplastic Syndromes, Hereditary; Tumor predisposition; Hereditary neoplastic syndrome; Hereditary Cancer Syndrome. Identifiers: Orphanet 140162, MedGen C0027672, MeSH D009386, MONDO:0015356.
Breast-ovarian cancer, familial, susceptibility to, 2 (BROVCA2). Also called: BRCA2 Hereditary Breast and Ovarian Cancer. Identifiers: Orphanet 145, MedGen C2675520, MONDO:0012933, OMIM 612555. Disease mechanism: loss of function.

Allele frequency attached by ClinVar (database versions not stated): gnomAD exomes below 0.00001; TOPMed 0.00002.
gnomAD v4.1: 4 of 1,613,936 alleles (0.00025%); highest among the groups gnomAD compares: Middle Eastern, 0.017%; no homozygotes.

Submissions (8):

Labcorp Genetics (formerly Invitae), Labcorp
Classification: Uncertain significance for Hereditary breast ovarian cancer syndrome. Last evaluated: 2025-12-01. Review status: criteria provided, single submitter. Criteria: Invitae Variant Classification Sherloc (09022015). Collection method: clinical testing. Allele origin: germline.
Comment: This sequence change replaces threonine, which is neutral and polar, with isoleucine, which is neutral and non-polar, at codon 1980 of the BRCA2 protein (p.Thr1980Ile). This variant is present in population databases (rs80358827, gnomAD 0.007%). This missense change has been observed in individual(s) with breast cancer (PMID: 12491487, 26997744). ClinVar contains an entry for this variant (Variation ID: 51966). Invitae Evidence Modeling of protein sequence and biophysical properties (such as structural, functional, and spatial information, amino acid conservation, physicochemical variation, residue mobility, and thermodynamic stability) has been performed for this missense variant. However, the output from this modeling did not meet the statistical confidence thresholds required to predict the impact of this variant on BRCA2 protein function. Experimental studies have shown that this missense change affects BRCA2 function (PMID: 36098506). In summary, the available evidence is currently insufficient to determine the role of this variant in disease. Therefore, it has been classified as a Variant of Uncertain Significance.

Ambry Genetics
Classification: Uncertain significance for Hereditary cancer-predisposing syndrome. Last evaluated: 2025-04-23. Review status: criteria provided, single submitter. Criteria: Ambry Variant Classification Scheme 2023. Collection method: clinical testing. Allele origin: germline.
Comment: The p.T1980I variant (also known as c.5939C>T), located in coding exon 10 of the BRCA2 gene, results from a C to T substitution at nucleotide position 5939. The threonine at codon 1980 is replaced by isoleucine, an amino acid with similar properties. Protein functional studies for this variant are conflicting (Jimenez-Sainz J et al. Elife, 2022 Sep;11:, Ikegami M et al. Nat Commun, 2020 May;11:2573). This amino acid position is highly conserved in available vertebrate species. In addition, this alteration is predicted to be deleterious by in silico analysis. Based on the available evidence, the clinical significance of this variant remains unclear.

GeneDx
Classification: Uncertain significance. Last evaluated: 2024-01-29. Review status: criteria provided, single submitter. Criteria: GeneDx Variant Classification Process June 2021. Collection method: clinical testing. Allele origin: germline. Affected: yes.
Comment: Identified in an individual with a personal history of breast cancer (PMID: 26997744); Published functional studies demonstrate impaired RAD51-mediated DNA strand exchange and intermediate abilities with respect to cell survival, RAD51 foci formation, and replication fork protection (PMID: 36098506); In silico analysis supports that this missense variant has a deleterious effect on protein structure/function; Not observed at significant frequency in large population cohorts (gnomAD); Also known as 6167C>T; This variant is associated with the following publications: (PMID: 31911673, 12491487, 29884841, 32377563, 9002670, 22193408, 37922907, 26997744, 36098506)

KCCC/NGS Laboratory, Kuwait Cancer Control Center
Classification: Uncertain significance for Breast-ovarian cancer, familial, susceptibility to, 2. Last evaluated: 2023-06-06. Review status: criteria provided, single submitter. Criteria: ACMG Guidelines, 2015. Collection method: clinical testing. Allele origin: germline. Affected: yes.
Comment: A variant of uncertain significant was detected . This sequence change replaces threonine, which is neutral and polar, with isoleucine, which is neutral and non-polar, at codon 1980 of the BRCA2 protein (p.Thr1980Ile). This variant is present in population databases (rs80358827, gnomAD 0.007%). This missense change has been observed in individual(s) with breast cancer (PMID: 12491487, 26997744). ClinVar contains an entry for this variant (Variation ID: 51966). This amino acid position is highly conserved . In addition, this alteration is predicted to be deleterious and diseases causing by(PolyPhen, BayesDel_addAF, DANN, EIGEN, FATHMMMKL, M-CAP, MVP, MutationTaster and SIFT) . In summary, the available evidence is currently insufficient to determine the role of this variant in disease. Therefore, it has been classified as a Variant of Uncertain Significance.

University of Washington Department of Laboratory Medicine, University of Washington
Classification: Likely benign for Hereditary cancer-predisposing syndrome. Last evaluated: 2023-03-23. Review status: criteria provided, single submitter. Criteria: Dines et al. (Genet Med. 2020). Collection method: curation. Allele origin: germline.
Comment: Missense variant in a coldspot region where missense variants are very unlikely to be pathogenic (PMID:31911673).

BRCA2 exon 11 coldspot. Reclassification based on statistical prior probability.

Color Diagnostics, LLC DBA Color Health
Classification: Uncertain significance for Hereditary cancer-predisposing syndrome. Last evaluated: 2019-02-26. Review status: criteria provided, single submitter. Criteria: ACMG Guidelines, 2015. Collection method: clinical testing. Allele origin: germline.

Breakthrough Genomics
Classification: Uncertain significance. Review status: criteria provided, single submitter. Criteria: ACMG Guidelines, 2015. Collection method: not provided. Allele origin: germline. Inheritance: Autosomal recessive inheritance. Affected: yes.

Breast Cancer Information Core (BIC) (BRCA2)
Classification: Uncertain significance for Breast-ovarian cancer, familial 2. Review status: no assertion criteria provided. Collection method: clinical testing. Allele origin: germline. Affected: yes. Observed: 1 variant allele. Not counted in ClinVar's aggregate classification.

Literature cited by the submitters: PubMed 12491487 (cited by Labcorp Genetics (formerly Invitae), Labcorp); PubMed 26997744 (cited by Labcorp Genetics (formerly Invitae), Labcorp and Ambry Genetics); PubMed 36098506 (cited by Labcorp Genetics (formerly Invitae), Labcorp and Ambry Genetics); PubMed 32444794 (cited by Ambry Genetics).